The following is an entry in ClinVar:

NM_006531.5(IFT88):c.2284C>T (p.Leu762=)

Gene: IFT88 (intraflagellar transport 88; plus strand). Cytogenetic location: 13q12.11.
Variant type: single nucleotide variant.
Coding change: c.2284C>T on transcript NM_006531.5 (MANE Select); coding-DNA position 2284, C replaced by T.
Protein change: p.Leu762=; no amino-acid change (leucine 762 retained).
Molecular consequence: synonymous variant. On other transcripts: non-coding transcript variant (4), intron variant (5).
Genome position (GRCh38, 1-based): chr13:20,690,746, C>T. VCF-style: chr13-20690746-C-T. GRCh37 (hg19) VCF-style: chr13-21264885-C-T.
Other names: c.2227C>T, p.Leu743= (NM_001318491.2); c.2311C>T, p.Leu771= (NM_001318493.2, NM_001353565.2, NM_001353566.2 and 2 more transcripts); c.2284C>T, p.Leu762= (NM_001353568.2); c.2209C>T, p.Leu737= (NM_001353569.2, NM_001353570.2); c.2182C>T, p.Leu728= (NM_001353571.2); c.2140C>T, p.Leu714= (NM_001353573.2); c.2125C>T, p.Leu709= (NM_001353574.2); c.1651C>T, p.Leu551= (NM_001353579.2); and 5 more.
Identifiers: ClinVar variation 1628364 (VCV001628364.10), dbSNP rs144721929, ClinGen allele CA6905734.
Genomic context (GRCh38, chr13:20,690,746, plus strand): 5'-TTTATTTTCGTGTTTTCAGATAGTGGCCAGAACTATAGTGCCAGTAGTAAAGGTGAACGA[C>T]TAAGTGCCAGACTCAGAGCTTTACCTGGGACAAATGAACCTTATGAAAGTAGCAGTAACA-3'
Protein context (NP_006522.2, residues 752-772): NYSASSKGER[Leu762=]SARLRALPGT

ClinVar aggregate classification (germline): Likely benign. Review status: criteria provided, multiple submitters, no conflicts (2 of 4 stars). 2 submissions from 2 submitters: Likely benign (2). Last evaluated 2026-02-19.

Conditions:
IFT88-related disorder. Also called: IFT88-related condition.

Allele frequency attached by ClinVar (database versions not stated): TOPMed 0.00005; gnomAD 0.00006; ExAC 0.00012; ESP Exome Variant Server 0.00015.
gnomAD v4.1: 116 of 1,613,732 alleles (0.0072%); highest among the groups gnomAD compares: South Asian, 0.023%; no homozygotes.

Submissions (2):

PreventionGenetics, part of Exact Sciences
Classification: Likely benign for IFT88-related condition. Last evaluated: 2026-02-19. Review status: criteria provided, single submitter. Criteria: ACMG Guidelines, 2015. Collection method: clinical testing. Allele origin: germline.
Comment: This variant is classified as likely benign based on ACMG/AMP sequence variant interpretation guidelines (Richards et al. 2015 PMID: 25741868, with internal and published modifications).

Labcorp Genetics (formerly Invitae), Labcorp
Classification: Likely benign. Last evaluated: 2026-01-04. Review status: criteria provided, single submitter. Criteria: Invitae Variant Classification Sherloc (09022015). Collection method: clinical testing. Allele origin: germline.